The following is an entry in ClinVar:

ClinVar aggregate classification (germline): Likely benign (0 of 4 stars; one submission).

Conditions:
PPARG-related disorder. Also called: PPARG-related condition; PPARG-related disorders.

Allele frequency attached by ClinVar (database versions not stated): 1000 Genomes Project 30x 0.00016.
gnomAD v4.1: 188 of 1,614,046 alleles (0.012%); highest among the groups gnomAD compares: Non-Finnish European, 0.015%; no homozygotes.

Submission:

PreventionGenetics, part of Exact Sciences
Classification: Likely benign for PPARG-related condition. Last evaluated: 2021-10-05. Review status: no assertion criteria provided. Collection method: clinical testing. Allele origin: germline.
Comment: This variant is classified as likely benign based on ACMG/AMP sequence variant interpretation guidelines (Richards et al. 2015 PMID: 25741868, with internal and published modifications).

NM_138711.6(PPARG):c.801C>T (p.Pro267=)

Gene: PPARG (peroxisome proliferator activated receptor gamma; plus strand). Cytogenetic location: 3p25.2.
Variant type: single nucleotide variant.
Coding change: c.801C>T on transcript NM_138711.6 (MANE Select); coding-DNA position 801, C replaced by T.
Protein change: p.Pro267=; no amino-acid change (proline 267 retained).
Molecular consequence: synonymous variant. On other transcripts: intron variant (5).
Genome position (GRCh38, 1-based): chr3:12,416,775, C>T. VCF-style: chr3-12416775-C-T. GRCh37 (hg19) VCF-style: chr3-12458274-C-T.
Other names: c.801C>T, p.Pro267= (NM_001354666.3, NM_001354667.3, NM_001374263.2 and 3 more transcripts); c.174C>T, p.Pro58= (NM_001354669.2); c.891C>T, p.Pro297= (NM_015869.5); c.729+10694C>T (NM_001374261.3, NM_001374262.3, NM_001330615.4); c.653+10776C>T (NM_001374266.1); c.819+10694C>T (NM_001374265.1).
Identifiers: ClinVar variation 3036791 (VCV003036791.2), dbSNP rs13306747, ClinGen allele CA2258285.